The following is an entry in ClinVar:

NM_005321.3(H1-4):c.358G>A (p.Ala120Thr)

Gene: H1-4 (H1.4 linker histone, cluster member; plus strand). Cytogenetic location: 6p22.2.
Variant type: single nucleotide variant.
Coding change: c.358G>A on transcript NM_005321.3 (MANE Select); coding-DNA position 358, G replaced by A.
Protein change: p.Ala120Thr; replaces alanine 120 with threonine.
Molecular consequence: missense variant.
Genome position (GRCh38, 1-based): chr6:26,156,748, G>A. VCF-style: chr6-26156748-G-A. GRCh37 (hg19) VCF-style: chr6-26156976-G-A.
Other names: short protein forms A120T.
Identifiers: ClinVar variation 4534645 (VCV004534645.6).

ClinVar aggregate classification (germline): Likely benign (1 of 4 stars; one submission).

Submission:

CeGaT Center for Human Genetics Tuebingen
Classification: Likely benign. Last evaluated: 2025-11-01. Review status: criteria provided, single submitter. Criteria: CeGaT Center For Human Genetics Tuebingen Variant Classification Criteria Version 2. Collection method: clinical testing. Allele origin: germline. Affected: yes. Observed: 1 variant allele.
Comment: H1-4: BP4